The following is an entry in ClinVar:

ClinVar aggregate classification (germline): Benign/Likely benign. Review status: criteria provided, multiple submitters, no conflicts (2 of 4 stars). 10 submissions from 10 submitters: Benign (5); Likely benign (2). 3 of the submissions do not count toward it. Last evaluated 2026-05-01.

Conditions:
Spinocerebellar ataxia type 35. Identifiers: Orphanet 276193, MedGen C3888031, MONDO:0013485, OMIM 613908.

Allele frequency attached by ClinVar (database versions not stated): ExAC 0.00132; gnomAD exomes 0.00132; gnomAD 0.00370; TOPMed 0.00372; ESP Exome Variant Server 0.00392; 1000 Genomes Project 0.00419; 1000 Genomes Project 30x 0.00437.
gnomAD v4.1: 1,606 of 1,610,304 alleles (0.1%); highest among the groups gnomAD compares: African/African-American, 1.1%; 7 homozygotes.

Submissions (10):

CeGaT Center for Human Genetics Tuebingen
Classification: Likely benign. Last evaluated: 2026-05-01. Review status: criteria provided, single submitter. Criteria: CeGaT Center For Human Genetics Tuebingen Variant Classification Criteria Version 2. Collection method: clinical testing. Allele origin: germline. Affected: yes. Observed: 2 variant alleles.
Comment: TGM6: BP4, BS1

Labcorp Genetics (formerly Invitae), Labcorp
Classification: Benign. Last evaluated: 2025-12-17. Review status: criteria provided, single submitter. Criteria: Invitae Variant Classification Sherloc (09022015). Collection method: clinical testing. Allele origin: germline.

Mayo Clinic Laboratories, Mayo Clinic
Classification: Benign. Last evaluated: 2025-03-26. Review status: criteria provided, single submitter. Criteria: ACMG Guidelines, 2015. Collection method: clinical testing. Allele origin: germline. Observed: 1 variant allele.
Comment: BA1

Athena Diagnostics
Classification: Benign. Last evaluated: 2024-12-19. Review status: criteria provided, single submitter. Criteria: Athena Diagnostics Criteria. Collection method: clinical testing. Allele origin: unknown.
Comment: The frequency of this variant in the general population is higher than would generally be expected for pathogenic variants in this gene.

Blueprint Genetics
Classification: Likely benign. Last evaluated: 2024-11-01. Review status: criteria provided, single submitter. Criteria: ACMG Guidelines, 2015. Collection method: clinical testing. Allele origin: germline.

Illumina Laboratory Services, Illumina
Classification: Benign for Spinocerebellar ataxia type 35. Last evaluated: 2018-01-12. Review status: criteria provided, single submitter. Criteria: ICSL Variant Classification Criteria 13 December 2019. Collection method: clinical testing. Allele origin: germline.
Comment: This variant was observed in the ICSL laboratory as part of a predisposition screen in an ostensibly healthy population. It had not been previously curated by ICSL or reported in the Human Gene Mutation Database (HGMD: prior to June 1st, 2018), and was therefore a candidate for classification through an automated scoring system. Utilizing variant allele frequency, disease prevalence and penetrance estimates, and inheritance mode, an automated score was calculated to assess if this variant is too frequent to cause the disease. Based on the score and internal cut-off values, a variant classified as benign is not then subjected to further curation. The score for this variant resulted in a classification of benign for this disease.

Breakthrough Genomics
Classification: Benign. Review status: criteria provided, single submitter. Criteria: ACMG Guidelines, 2015. Collection method: not provided. Allele origin: germline. Inheritance: Autosomal dominant inheritance. Affected: yes.

Clinical Genetics DNA and cytogenetics Diagnostics Lab, Erasmus MC, Erasmus Medical Center
Classification: Benign. Review status: no assertion criteria provided. Collection method: clinical testing. Allele origin: germline. Affected: yes. Study: VKGL Data-share Consensus. Not counted in ClinVar's aggregate classification.

Diagnostic Laboratory, Department of Genetics, University Medical Center Groningen
Classification: Benign. Review status: no assertion criteria provided. Collection method: clinical testing. Allele origin: germline. Affected: yes. Study: VKGL Data-share Consensus. Not counted in ClinVar's aggregate classification.

Joint Genome Diagnostic Labs from Nijmegen and Maastricht, Radboudumc and MUMC+
Classification: Benign. Review status: no assertion criteria provided. Collection method: clinical testing. Allele origin: germline. Affected: yes. Study: VKGL Data-share Consensus. Not counted in ClinVar's aggregate classification.

Literature cited by the submitters: PubMed 22287014 (cited by Mayo Clinic Laboratories, Mayo Clinic and Athena Diagnostics).

NM_198994.3(TGM6):c.1580T>A (p.Val527Glu)

Gene: TGM6 (transglutaminase 6; plus strand). Cytogenetic location: 20p13.
Variant type: single nucleotide variant.
Coding change: c.1580T>A on transcript NM_198994.3 (MANE Select); coding-DNA position 1580, T replaced by A.
Protein change: p.Val527Glu; replaces valine 527 with glutamic acid.
Molecular consequence: missense variant.
Genome position (GRCh38, 1-based): chr20:2,417,475, T>A. VCF-style: chr20-2417475-T-A. GRCh37 (hg19) VCF-style: chr20-2398121-T-A.
Other names: p.Val527Glu; c.1580T>A, p.Val527Glu (NM_001254734.2); short protein forms V527E.
Identifiers: ClinVar variation 337931 (VCV000337931.28), dbSNP rs61729226, ClinGen allele CA9732137.